The following is an entry in ClinVar:

ClinVar aggregate classification (germline): Uncertain significance (1 of 4 stars; one submission).

Conditions:
Neonatal encephalomyopathy-cardiomyopathy-respiratory distress syndrome. Also called: Coenzyme Q10 deficiency, primary, 7. Identifiers: Orphanet 457185, MedGen C5568562, MONDO:0014562, OMIM 616276.

Submission:

Labcorp Genetics (formerly Invitae), Labcorp
Classification: Uncertain significance for Neonatal encephalomyopathy-cardiomyopathy-respiratory distress syndrome. Last evaluated: 2022-05-30. Review status: criteria provided, single submitter. Criteria: Invitae Variant Classification Sherloc (09022015). Collection method: clinical testing. Allele origin: germline.
Comment: In summary, the available evidence is currently insufficient to determine the role of this variant in disease. Therefore, it has been classified as a Variant of Uncertain Significance. This sequence change affects codon 82 of the COQ4 mRNA. It is a 'silent' change, meaning that it does not change the encoded amino acid sequence of the COQ4 protein. This variant is not present in population databases (gnomAD no frequency). This variant has not been reported in the literature in individuals affected with COQ4-related conditions. Algorithms developed to predict the effect of sequence changes on RNA splicing suggest that this variant may disrupt the consensus splice site.

NM_016035.5(COQ4):c.246G>A (p.Leu82=)

Gene: COQ4 (coenzyme Q4; plus strand). Cytogenetic location: 9q34.11.
Variant type: single nucleotide variant.
Coding change: c.246G>A on transcript NM_016035.5 (MANE Select); coding-DNA position 246, G replaced by A.
Protein change: p.Leu82=; no amino-acid change (leucine 82 retained).
Molecular consequence: synonymous variant. On other transcripts: intron variant (1).
Genome position (GRCh38, 1-based): chr9:128,325,186, G>A. VCF-style: chr9-128325186-G-A. GRCh37 (hg19) VCF-style: chr9-131087465-G-A.
Other names: c.203-593G>A (NM_001305942.2).
Identifiers: ClinVar variation 2190872 (VCV002190872.4), dbSNP rs2539415242, ClinGen allele CA467272988.